The following is an entry in ClinVar:

NM_020066.5(FMN2):c.3087C>A (p.Gly1029=)

Gene: FMN2 (formin 2; plus strand). Cytogenetic location: 1q43.
Variant type: single nucleotide variant.
Coding change: c.3087C>A on transcript NM_020066.5 (MANE Select); coding-DNA position 3087, C replaced by A.
Protein change: p.Gly1029=; no amino-acid change (glycine 1029 retained).
Molecular consequence: synonymous variant. On other transcripts: intron variant (1).
Genome position (GRCh38, 1-based): chr1:240,207,899, C>A. VCF-style: chr1-240207899-C-A. GRCh37 (hg19) VCF-style: chr1-240371199-C-A.
Other names: c.3099C>A, p.Gly1033= (NM_001305424.2); c.1986+19637C>A (NM_001348094.2).
Identifiers: ClinVar variation 2640161 (VCV002640161.24), dbSNP rs1369276490, ClinGen allele CA424385458.

ClinVar aggregate classification (germline): Likely benign (1 of 4 stars; one submission).

Submission:

CeGaT Center for Human Genetics Tuebingen
Classification: Likely benign. Last evaluated: 2026-04-01. Review status: criteria provided, single submitter. Criteria: CeGaT Center For Human Genetics Tuebingen Variant Classification Criteria Version 2. Collection method: clinical testing. Allele origin: germline. Affected: yes. Observed: 9 variant alleles.
Comment: FMN2: BP4, BP7